The following is an entry in ClinVar:

NM_003072.5(SMARCA4):c.4692C>T (p.Ile1564=)

Gene: SMARCA4 (SWI/SNF related BAF chromatin remodeling complex subunit ATPase 4; plus strand). Cytogenetic location: 19p13.2.
Variant type: single nucleotide variant.
Coding change: c.4692C>T on transcript NM_003072.5 (MANE Select); coding-DNA position 4692, C replaced by T.
Protein change: p.Ile1564=; no amino-acid change (isoleucine 1564 retained).
Molecular consequence: synonymous variant. On other transcripts: non-coding transcript variant (1).
Genome position (GRCh38, 1-based): chr19:11,059,809, C>T. VCF-style: chr19-11059809-C-T. GRCh37 (hg19) VCF-style: chr19-11170485-C-T.
Other names: c.4692C>T, p.Ile1564= (NM_001128844.3); c.4602C>T, p.Ile1534= (NM_001128845.2); c.4599C>T, p.Ile1533= (NM_001128846.2); c.4593C>T, p.Ile1531= (NM_001128847.4, NM_001374457.1); c.4590C>T, p.Ile1530= (NM_001128848.2); c.4788C>T, p.Ile1596= (NM_001128849.3, NM_001387283.1).
Identifiers: ClinVar variation 238484 (VCV000238484.52), dbSNP rs746415437, ClinGen allele CA9204829.
Genomic context (GRCh38, chr19:11,059,809, plus strand): 5'-CCAGATCTATGAAGACTCCATCGTCTTGCAGTCGGTCTTCACCAGCGTGCGGCAGAAAAT[C>T]GAGAAGGAGGATGACAGTGAAGGCGAGGAGAGTGAGGAGGAGGAAGAGGGCGAGGAGGAA-3'
Protein context (NP_003063.2, residues 1554-1574): QSVFTSVRQK[Ile1564=]EKEDDSEGEE

ClinVar aggregate classification (germline): Benign/Likely benign. Review status: criteria provided, multiple submitters, no conflicts (2 of 4 stars). 11 submissions from 11 submitters: Benign (5); Likely benign (6). Last evaluated 2026-07-23.

Conditions:
SMARCA4-related disorder. Also called: SMARCA4-related condition.
Coffin-Siris syndrome. Identifiers: Orphanet 1465, MedGen C0265338, MONDO:0015452.
Hereditary cancer-predisposing syndrome. Also called: Hereditary Cancer Syndrome; Tumor predisposition; Hereditary neoplastic syndrome; Neoplastic Syndromes, Hereditary. Identifiers: Orphanet 140162, MedGen C0027672, MeSH D009386, MONDO:0015356.
Intellectual disability, autosomal dominant 16 (CSS4). Also called: COFFIN-SIRIS SYNDROME 4. Identifiers: Orphanet 1465, MedGen C3553249, MONDO:0013821, OMIM 614609.
Rhabdoid tumor predisposition syndrome 2 (RTPS2). Identifiers: Orphanet 231108, Orphanet 69077, MedGen C2750074, MONDO:0013224, OMIM 613325.

Allele frequency attached by ClinVar (database versions not stated): TOPMed 0.00011; gnomAD 0.00014 and 0.00015; ExAC 0.00004; gnomAD exomes 0.00007.
gnomAD v4.1: 62 of 1,611,198 alleles (0.0038%); highest among the groups gnomAD compares: Admixed American, 0.061%; no homozygotes.

Submissions (11):

Myriad Genetics, Inc.
Classification: Benign for Rhabdoid tumor predisposition syndrome 2. Last evaluated: 2026-07-23. Review status: criteria provided, single submitter. Criteria: Myriad Autosomal Dominant, Autosomal Recessive and X-Linked Classification Criteria (2023). Collection method: clinical testing. Allele origin: unknown.
Comment: This variant is considered benign. This variant is a silent/synonymous amino acid change and it is not expected to impact splicing.

Labcorp Genetics (formerly Invitae), Labcorp
Classification: Likely benign for Rhabdoid tumor predisposition syndrome 2. Last evaluated: 2026-01-21. Review status: criteria provided, single submitter. Criteria: Invitae Variant Classification Sherloc (09022015). Collection method: clinical testing. Allele origin: germline.

PreventionGenetics, part of Exact Sciences
Classification: Likely benign for SMARCA4-related condition. Last evaluated: 2025-12-26. Review status: criteria provided, single submitter. Criteria: ACMG Guidelines, 2015. Collection method: clinical testing. Allele origin: germline.
Comment: This variant is classified as likely benign based on ACMG/AMP sequence variant interpretation guidelines (Richards et al. 2015 PMID: 25741868, with internal and published modifications).

Blueprint Genetics
Classification: Likely benign. Last evaluated: 2024-11-07. Review status: criteria provided, single submitter. Criteria: ACMG Guidelines, 2015. Collection method: clinical testing. Allele origin: germline.

CeGaT Center for Human Genetics Tuebingen
Classification: Likely benign. Last evaluated: 2023-07-01. Review status: criteria provided, single submitter. Criteria: CeGaT Center For Human Genetics Tuebingen Variant Classification Criteria Version 2. Collection method: clinical testing. Allele origin: germline. Affected: yes. Observed: 1 variant allele.
Comment: SMARCA4: BP4, BP7

Quest Diagnostics Nichols Institute San Juan Capistrano
Classification: Benign. Last evaluated: 2022-08-03. Review status: criteria provided, single submitter. Criteria: Quest Diagnostics criteria. Collection method: clinical testing. Allele origin: unknown.

Genome-Nilou Lab
Classification: Benign for Intellectual disability, autosomal dominant 16. Last evaluated: 2021-07-15. Review status: criteria provided, single submitter. Criteria: ACMG Guidelines, 2015. Collection method: clinical testing. Allele origin: germline. Affected: no.

Sema4
Classification: Benign for Hereditary cancer-predisposing syndrome. Last evaluated: 2021-03-19. Review status: criteria provided, single submitter. Criteria: Sema4 Curation Guidelines. Collection method: curation. Allele origin: germline.

GeneDx
Classification: Likely benign. Last evaluated: 2019-03-19. Review status: criteria provided, single submitter. Criteria: GeneDx Variant Classification Process June 2021. Collection method: clinical testing. Allele origin: germline. Affected: yes.

Illumina Laboratory Services, Illumina
Classification: Benign for Coffin-Siris syndrome. Last evaluated: 2018-01-13. Review status: criteria provided, single submitter. Criteria: ICSL Variant Classification Criteria 13 December 2019. Collection method: clinical testing. Allele origin: germline.
Comment: This variant was observed in the ICSL laboratory as part of a predisposition screen in an ostensibly healthy population. It had not been previously curated by ICSL or reported in the Human Gene Mutation Database (HGMD: prior to June 1st, 2018), and was therefore a candidate for classification through an automated scoring system. Utilizing variant allele frequency, disease prevalence and penetrance estimates, and inheritance mode, an automated score was calculated to assess if this variant is too frequent to cause the disease. Based on the score and internal cut-off values, a variant classified as benign is not then subjected to further curation. The score for this variant resulted in a classification of benign for this disease.

Ambry Genetics
Classification: Likely benign for Hereditary cancer-predisposing syndrome. Last evaluated: 2015-07-01. Review status: criteria provided, single submitter. Criteria: Ambry Variant Classification Scheme 2023. Collection method: clinical testing. Allele origin: germline.